The following is an entry in ClinVar:

NM_001399.5(EDA):c.473A>G (p.Lys158Arg)

Gene: EDA (ectodysplasin A; plus strand). Cytogenetic location: Xq13.1.
Variant type: single nucleotide variant.
Coding change: c.473A>G on transcript NM_001399.5 (MANE Select); coding-DNA position 473, A replaced by G.
Protein change: p.Lys158Arg; replaces lysine 158 with arginine.
Molecular consequence: missense variant.
Genome position (GRCh38, 1-based): chrX:69,957,103, A>G. VCF-style: chrX-69957103-A-G. GRCh37 (hg19) VCF-style: chrX-69176953-A-G.
Other names: c.473A>G, p.Lys158Arg (NM_001005609.2, NM_001005612.3); short protein forms K158R.
Identifiers: ClinVar variation 1348811 (VCV001348811.8), dbSNP rs982209417, ClinGen allele CA330947483.

ClinVar aggregate classification (germline): Likely pathogenic (1 of 4 stars; one submission).

Conditions:
Hypohidrotic X-linked ectodermal dysplasia (XHED). Also called: ECTODERMAL DYSPLASIA, HYPOHIDROTIC, 1; CST SYNDROME; Anhidrotic ectodermal dysplasia X-linked; Christ Siemens Touraine syndrome; Christ-Siemans-Touraine syndrome; ECTODERMAL DYSPLASIA 1. Identifiers: Orphanet 181, Orphanet 238468, MedGen C0162359, MONDO:0010585, OMIM 305100.

Allele frequency attached by ClinVar (database versions not stated): TOPMed below 0.00001.

Submission:

Labcorp Genetics (formerly Invitae), Labcorp
Classification: Likely pathogenic for Hypohidrotic X-linked ectodermal dysplasia. Last evaluated: 2020-10-31. Review status: criteria provided, single submitter. Criteria: Invitae Variant Classification Sherloc (09022015). Collection method: clinical testing. Allele origin: germline.
Comment: This sequence change replaces lysine with arginine at codon 158 of the EDA protein (p.Lys158Arg). The lysine residue is moderately conserved and there is a small physicochemical difference between lysine and arginine. This variant is not present in population databases (ExAC no frequency). This variant has not been reported in the literature in individuals with EDA-related conditions. Advanced modeling of protein sequence and biophysical properties (such as structural, functional, and spatial information, amino acid conservation, physicochemical variation, residue mobility, and thermodynamic stability) performed at Invitae indicates that this missense variant is expected to disrupt EDA protein function. Algorithms developed to predict the effect of sequence changes on RNA splicing suggest that this variant may create or strengthen a splice site, but this prediction has not been confirmed by published transcriptional studies. This variant disrupts the p.Lys158 amino acid residue in EDA. Other variant(s) that disrupt this residue have been determined to be pathogenic (PMID: 31852928, 11279189). This suggests that this residue is clinically significant, and that variants that disrupt this residue are likely to be disease-causing. In summary, the currently available evidence indicates that the variant is pathogenic, but additional data are needed to prove that conclusively. Therefore, this variant has been classified as Likely Pathogenic.

Literature cited by the submitters: PubMed 31852928; PubMed 11279189.